The following is an entry in ClinVar:

ClinVar aggregate classification (germline): Benign/Likely benign. Review status: criteria provided, multiple submitters, no conflicts (2 of 4 stars). 6 submissions from 6 submitters: Benign (2); Likely benign (4). Last evaluated 2025-11-25.

Conditions:
Inborn genetic diseases. Identifiers: MedGen C0950123, MeSH D030342.

Allele frequency attached by ClinVar (database versions not stated): ESP Exome Variant Server 0.00015; gnomAD exomes 0.00022 and 0.00078; gnomAD 0.00036 and 0.00042; TOPMed 0.00054; ExAC 0.00070; 1000 Genomes Project 0.00080; 1000 Genomes Project 30x 0.00094.
gnomAD v4.1: 452 of 1,613,924 alleles (0.028%); highest among the groups gnomAD compares: East Asian, 0.55%; 3 homozygotes.

Submissions (6):

Labcorp Genetics (formerly Invitae), Labcorp
Classification: Benign. Last evaluated: 2025-11-25. Review status: criteria provided, single submitter. Criteria: Invitae Variant Classification Sherloc (09022015). Collection method: clinical testing. Allele origin: germline.

Blueprint Genetics
Classification: Likely benign. Last evaluated: 2024-11-07. Review status: criteria provided, single submitter. Criteria: ACMG Guidelines, 2015. Collection method: clinical testing. Allele origin: germline.

Ambry Genetics
Classification: Likely benign for Inborn genetic diseases. Last evaluated: 2024-06-04. Review status: criteria provided, single submitter. Criteria: Ambry Variant Classification Scheme 2023. Collection method: clinical testing. Allele origin: germline.

CeGaT Center for Human Genetics Tuebingen
Classification: Likely benign. Last evaluated: 2023-02-01. Review status: criteria provided, single submitter. Criteria: CeGaT Center For Human Genetics Tuebingen Variant Classification Criteria Version 2. Collection method: clinical testing. Allele origin: germline. Affected: yes. Observed: 1 variant allele.
Comment: EFTUD2: BP4, BP7

GeneDx
Classification: Benign. Last evaluated: 2019-10-08. Review status: criteria provided, single submitter. Criteria: GeneDx Variant Classification Process June 2021. Collection method: clinical testing. Allele origin: germline. Affected: yes.

Genetic Services Laboratory, University of Chicago
Classification: Likely benign. Last evaluated: 2017-04-14. Review status: criteria provided, single submitter. Criteria: ACMG Guidelines, 2015. Collection method: clinical testing. Allele origin: germline. Affected: no.

NM_004247.4(EFTUD2):c.1698C>T (p.Thr566=)

Gene: EFTUD2 (elongation factor Tu GTP binding domain containing 2; minus strand). Cytogenetic location: 17q21.31.
Variant type: single nucleotide variant.
Coding change: c.1698C>T on transcript NM_004247.4 (MANE Select); coding-DNA position 1698, C replaced by T.
Protein change: p.Thr566=; no amino-acid change (threonine 566 retained).
Molecular consequence: synonymous variant.
Genome position (GRCh38, 1-based): chr17:44,860,453, G>A on the plus strand (C>T on the coding strand, the complement: EFTUD2 is on the minus strand). VCF-style: chr17-44860453-G-A. GRCh37 (hg19) VCF-style: chr17-42937821-G-A.
Other names: c.1593C>T, p.Thr531= (NM_001142605.2); c.1698C>T, p.Thr566= (NM_001258353.2); c.1668C>T, p.Thr556= (NM_001258354.2).
Identifiers: ClinVar variation 435030 (VCV000435030.44), dbSNP rs187284437, ClinGen allele CA8607710.
Genomic context (GRCh38, chr17:44,860,453, plus strand): 5'-AGCTTAAGCCAACCCAGTTGGTCTCTTCAGAAACTCTACCTCCTCATTGCCTCGGGGTTC[G>A]GTTATGGTTGCTGTCTTCACAATTGGTTGATCAACACCTTCAATCAGAACCCAGTTGCCA-3'
Protein context (NP_004238.3, residues 556-576): DQPIVKTATI[Thr566=]EPRGNEEAQI